The following is an entry in ClinVar:

NM_058216.3(RAD51C):c.763C>T (p.Leu255=)

Gene: RAD51C (RAD51 paralog C; plus strand). Cytogenetic location: 17q22.
Variant type: single nucleotide variant.
Coding change: c.763C>T on transcript NM_058216.3 (MANE Select); coding-DNA position 763, C replaced by T.
Protein change: p.Leu255=; no amino-acid change (leucine 255 retained).
Molecular consequence: synonymous variant. On other transcripts: non-coding transcript variant (1).
Genome position (GRCh38, 1-based): chr17:58,709,916, C>T. VCF-style: chr17-58709916-C-T. GRCh37 (hg19) VCF-style: chr17-56787277-C-T.
Identifiers: ClinVar variation 827165 (VCV000827165.8), dbSNP rs1598484488, ClinGen allele CA501075575.

ClinVar aggregate classification (germline): Benign/Likely benign. Review status: criteria provided, multiple submitters, no conflicts (2 of 4 stars). 3 submissions from 3 submitters: Benign (1); Likely benign (2). Last evaluated 2025-02-19.

Conditions:
Fanconi anemia complementation group O. Also called: RAD51C-Related Fanconi Anemia. Identifiers: Orphanet 84, MedGen C3150653, MONDO:0013248, OMIM 613390.
Breast-ovarian cancer, familial, susceptibility to, 3. Also called: RAD51C-Related Breast/Ovarian Cancer. Identifiers: Orphanet 145, MedGen C3150659, MONDO:0013253, OMIM 613399.
Hereditary cancer-predisposing syndrome. Also called: Neoplastic Syndromes, Hereditary; Hereditary Cancer Syndrome; Hereditary neoplastic syndrome; Tumor predisposition. Identifiers: Orphanet 140162, MedGen C0027672, MeSH D009386, MONDO:0015356.

Allele frequency attached by ClinVar (database versions not stated): gnomAD exomes below 0.00001.
gnomAD v4.1: 2 of 1,611,478 alleles (0.00012%); highest among the groups gnomAD compares: African/African-American, 0.0013%; no homozygotes.

Submissions (3):

Myriad Genetics, Inc.
Classification: Benign for Breast-ovarian cancer, familial, susceptibility to, 3. Last evaluated: 2025-02-19. Review status: criteria provided, single submitter. Criteria: Myriad Autosomal Dominant, Autosomal Recessive and X-Linked Classification Criteria (2023). Collection method: clinical testing. Allele origin: unknown.
Comment: This variant is considered benign. This variant is a silent/synonymous amino acid change and it is not expected to impact splicing.

Labcorp Genetics (formerly Invitae), Labcorp
Classification: Likely benign for Fanconi anemia complementation group O. Last evaluated: 2024-08-31. Review status: criteria provided, single submitter. Criteria: Invitae Variant Classification Sherloc (09022015). Collection method: clinical testing. Allele origin: germline.

Ambry Genetics
Classification: Likely benign for Hereditary cancer-predisposing syndrome. Last evaluated: 2018-10-18. Review status: criteria provided, single submitter. Criteria: Ambry Variant Classification Scheme 2023. Collection method: clinical testing. Allele origin: germline.